The following is an entry in ClinVar:

NM_015164.4(PLEKHM2):c.1741G>A (p.Val581Ile)

Gene: PLEKHM2 (pleckstrin homology and RUN domain containing M2; plus strand). Cytogenetic location: 1p36.21.
Variant type: single nucleotide variant.
Coding change: c.1741G>A on transcript NM_015164.4 (MANE Select); coding-DNA position 1741, G replaced by A.
Protein change: p.Val581Ile; replaces valine 581 with isoleucine.
Molecular consequence: missense variant.
Genome position (GRCh38, 1-based): chr1:15,727,813, G>A. VCF-style: chr1-15727813-G-A. GRCh37 (hg19) VCF-style: chr1-16054308-G-A.
Other names: c.1681G>A, p.Val561Ile (NM_001410755.1); short protein forms V581I, V561I.
Identifiers: ClinVar variation 2159459 (VCV002159459.4), dbSNP rs1001068516, ClinGen allele CA18300361.

ClinVar aggregate classification (germline): Uncertain significance (1 of 4 stars; one submission).

Allele frequency attached by ClinVar (database versions not stated): gnomAD 0.00001; gnomAD exomes 0.00002; TOPMed 0.00002.
gnomAD v4.1: 25 of 1,587,424 alleles (0.0016%); highest among the groups gnomAD compares: Non-Finnish European, 0.0021%; no homozygotes.

Submission:

Labcorp Genetics (formerly Invitae), Labcorp
Classification: Uncertain significance. Last evaluated: 2022-03-26. Review status: criteria provided, single submitter. Criteria: Invitae Variant Classification Sherloc (09022015). Collection method: clinical testing. Allele origin: germline.
Comment: In summary, the available evidence is currently insufficient to determine the role of this variant in disease. Therefore, it has been classified as a Variant of Uncertain Significance. Algorithms developed to predict the effect of missense changes on protein structure and function output the following: SIFT: "Tolerated"; PolyPhen-2: "Benign"; Align-GVGD: "Class C0". The isoleucine amino acid residue is found in multiple mammalian species, which suggests that this missense change does not adversely affect protein function. This variant has not been reported in the literature in individuals affected with PLEKHM2-related conditions. The frequency data for this variant in the population databases is considered unreliable, as metrics indicate poor data quality at this position in the gnomAD database. This sequence change replaces valine, which is neutral and non-polar, with isoleucine, which is neutral and non-polar, at codon 581 of the PLEKHM2 protein (p.Val581Ile).